The following is an entry in ClinVar:

ClinVar aggregate classification (germline): Likely pathogenic (1 of 4 stars; one submission).

Conditions:
Familial dysautonomia. Also called: HSAN III; FD. Identifiers: Orphanet 1764, MedGen C0013364, MONDO:0009131, OMIM 223900. Disease mechanism: loss of function.

Submission:

Myriad Genetics, Inc.
Classification: Likely pathogenic for Familial dysautonomia. Last evaluated: 2021-12-16. Review status: criteria provided, single submitter. Criteria: Myriad Women's Health Autosomal Recessive and X-Linked Classification Criteria (2021). Collection method: clinical testing. Allele origin: unknown.
Comment: NM_003640.3(ELP1):c.3115_3116delAA(N1039Lfs*19) is expected to be pathogenic in the context of familial dysautonomia. This variant is predicted to lead to an abnormal or absent protein product due to the creation of a premature termination codon in ELP1, a gene where loss-of-function variants are known to be pathogenic. Please note: this variant was assessed in the context of healthy population screening.

NM_003640.5(ELP1):c.3115_3116del (p.Asn1039fs)

Gene: ELP1 (elongator acetyltransferase complex subunit 1; minus strand). Cytogenetic location: 9q31.3.
Variant type: Deletion.
Coding change: c.3115_3116del on transcript NM_003640.5 (MANE Select); coding-DNA positions 3115 to 3116, 2 bases deleted (AA; older notation c.3115_3116delAA).
Protein change: p.Asn1039fs; shifts the reading frame from asparagine 1039.
Molecular consequence: frameshift variant.
Genome position (GRCh38, 1-based): chr9:108,891,247-108,891,248, TT deleted on the plus strand (AA on the coding strand, the reverse complement: ELP1 is on the minus strand). VCF-style (leftmost placement, unchanged base first): chr9-108891246-GTT-G. GRCh37 (hg19) VCF-style: chr9-111653526-GTT-G.
Other names: c.2773_2774del, p.Asn925fs (NM_001318360.2); c.2068_2069del, p.Asn690fs (NM_001330749.2); short protein forms N690fs, N925fs, N1039fs.
Identifiers: ClinVar variation 1726342 (VCV001726342.2), dbSNP rs2537878444, ClinGen allele CA2580079350.